The following is an entry in ClinVar:

NM_017780.4(CHD7):c.4644+5G>T

Gene: CHD7 (chromodomain helicase DNA binding protein 7; plus strand). Cytogenetic location: 8q12.2.
Variant type: single nucleotide variant.
Coding change: c.4644+5G>T on transcript NM_017780.4 (MANE Select); 5 bases into the intron after coding-DNA position 4644, G replaced by T.
Molecular consequence: intron variant.
Genome position (GRCh38, 1-based): chr8:60,841,759, G>T. VCF-style: chr8-60841759-G-T. GRCh37 (hg19) VCF-style: chr8-61754318-G-T.
Other names: c.1717-20470G>T (NM_001316690.1).
Identifiers: ClinVar variation 1742134 (VCV001742134.2), dbSNP rs2487944279, ClinGen allele CA2580078426.
Genomic context (GRCh38, chr8:60,841,759, plus strand): 5'-TCTGGCAAAAGTGGGCTAAGAAGGCTGAATTGGATATTGATGCCTTAAATGGGAGGGTGA[G>T]TAAGAAGTCCCATTCGAACACCTATCTGATCTAAACCAAGAGCCACTCTTTGAGAAATGT-3'

ClinVar aggregate classification (germline): Likely pathogenic (1 of 4 stars; one submission).

Conditions:
Inborn genetic diseases. Identifiers: MedGen C0950123, MeSH D030342.

Submission:

Ambry Genetics
Classification: Likely pathogenic for Inborn genetic diseases. Last evaluated: 2018-12-19. Review status: criteria provided, single submitter. Criteria: Ambry Variant Classification Scheme 2023. Collection method: clinical testing. Allele origin: germline.
Comment: The c.4644+5G>T intronic variant results from a G to T substitution 5 nucleotides after coding exon 19 in the CHD7 gene. This variant has been determined to be the result of a de novo mutation or germline mosaicism in one family with an isolated case of CHD7-related developmental disorder (Ambry internal data). A different alteration at the same nucleotide position, c.4644+5G>A, has been reported de novo in an individual with clinical features of CHARGE syndrome (Janssen N et al. Hum. Mutat., 2012 Aug;33:1149-60). This variant was not reported in population-based cohorts in the Genome Aggregation Database (gnomAD). This nucleotide position is highly conserved in available vertebrate species. Using the BDGP and ESEfinder splice site prediction tools, this alteration is predicted to weaken the efficiency of the native splice donor site; however, direct evidence is unavailable. Based on the majority of available evidence to date, this variant is likely to be pathogenic.

Literature cited by the submitters: PubMed 22461308.